The following is an entry in ClinVar:

NM_001458.5(FLNC):c.946del (p.Asp316fs)

Gene: FLNC (filamin C; plus strand). Cytogenetic location: 7q32.1.
Variant type: Deletion.
Coding change: c.946del on transcript NM_001458.5 (MANE Select); coding-DNA position 946, one base deleted (G; older notation c.946delG).
Protein change: p.Asp316fs; shifts the reading frame from aspartic acid 316.
Molecular consequence: frameshift variant.
Genome position (GRCh38, 1-based): chr7:128,837,732, G deleted; the last of 2 consecutive G bases (chr7:128,837,731-128,837,732); deleting either gives the same sequence. VCF-style (leftmost placement, unchanged base first): chr7-128837730-AG-A. GRCh37 (hg19) VCF-style: chr7-128477784-AG-A.
Other names: c.946del, p.Asp316fs (NM_001127487.2); short protein forms D316fs.
Identifiers: ClinVar variation 4812572 (VCV004812572.1).
Genomic context (GRCh38, chr7:128,837,730, plus strand): 5'-CTGCCCACTTCACCGTGCAGACGGTGGACGCGGGCGTGGGCGAGGTGCTGGTCTACATCG[AG>A]GACCCTGAAGGCCACACCGAGGAGGTATGCAGAGGCCGCTGGGGACAGAGGGATTCACTT-3'

ClinVar aggregate classification (germline): Pathogenic (1 of 4 stars; one submission).

Conditions:
Hypertrophic cardiomyopathy 26. Also called: Cardiomyopathy, familial hypertrophic, 26. Identifiers: Orphanet 75249, MedGen C4310749, MONDO:0014883, OMIM 617047.
Myofibrillar myopathy 5. Also called: Filaminopathy (type); FILAMINOPATHY, AUTOSOMAL DOMINANT. Identifiers: Orphanet 171445, MedGen C1836050, MONDO:0012289, OMIM 609524.
Distal myopathy with posterior leg and anterior hand involvement. Also called: WILLIAMS DISTAL MYOPATHY. Identifiers: Orphanet 63273, MedGen C3279722, MONDO:0013550, OMIM 614065.

Submission:

Labcorp Genetics (formerly Invitae), Labcorp
Classification: Pathogenic for Distal myopathy with posterior leg and anterior hand involvement; Myofibrillar myopathy 5; Hypertrophic cardiomyopathy 26. Last evaluated: 2025-12-31. Review status: criteria provided, single submitter. Criteria: Invitae Variant Classification Sherloc (09022015). Collection method: clinical testing. Allele origin: germline.
Comment: This sequence change creates a premature translational stop signal (p.Asp316Thrfs*35) in the FLNC gene. It is expected to result in an absent or disrupted protein product. Loss-of-function variants in FLNC are known to be pathogenic (PMID: 27908349). This variant is not present in population databases (gnomAD no frequency). This variant has not been reported in the literature in individuals affected with FLNC-related conditions. For these reasons, this variant has been classified as Pathogenic.

Literature cited by the submitters: PubMed 27908349.